The following is an entry in ClinVar:

ClinVar aggregate classification (germline): Uncertain significance (1 of 4 stars; one submission).

gnomAD v4.1: 1 of 1,613,876 alleles (0.000062%); highest among the groups gnomAD compares: African/African-American, 0.0013%; no homozygotes.

Submission:

GeneDx
Classification: Uncertain significance. Last evaluated: 2024-05-30. Review status: criteria provided, single submitter. Criteria: GeneDx Variant Classification Process June 2021. Collection method: clinical testing. Allele origin: germline. Affected: yes.
Comment: Not observed at significant frequency in large population cohorts (gnomAD); In silico analysis supports that this missense variant has a deleterious effect on protein structure/function; Has not been previously published as pathogenic or benign to our knowledge

NM_207037.2(TCF12):c.1357C>T (p.His453Tyr)

Gene: TCF12 (transcription factor 12; plus strand). Cytogenetic location: 15q21.3.
Variant type: single nucleotide variant.
Coding change: c.1357C>T on transcript NM_207037.2 (MANE Select); coding-DNA position 1357, C replaced by T.
Protein change: p.His453Tyr; replaces histidine 453 with tyrosine.
Molecular consequence: missense variant.
Genome position (GRCh38, 1-based): chr15:57,253,358, C>T. VCF-style: chr15-57253358-C-T. GRCh37 (hg19) VCF-style: chr15-57545556-C-T.
Other names: c.847C>T, p.His283Tyr (NM_001306219.3); c.577C>T, p.His193Tyr (NM_001306220.3); c.1357C>T, p.His453Tyr (NM_001322151.2, NM_001322152.2, NM_001322159.3 and 2 more transcripts); c.700C>T, p.His234Tyr (NM_001322154.2); c.1183C>T, p.His395Tyr (NM_001322156.2); c.1285C>T, p.His429Tyr (NM_001322157.3, NM_001322165.2, NM_003205.4 and 1 more transcripts); c.1111C>T, p.His371Tyr (NM_001322158.2); c.1354C>T, p.His452Tyr (NM_001322161.2); and 2 more; short protein forms H193Y, H234Y, H259Y, H283Y, H371Y, H395Y, H429Y, H441Y.
Identifiers: ClinVar variation 3383787 (VCV003383787.1).